The following is an entry in ClinVar:

ClinVar aggregate classification (germline): Pathogenic (1 of 4 stars; one submission).

Conditions:
Niemann-Pick disease, type C1. Also called: NEUROVISCERAL STORAGE DISEASE WITH VERTICAL SUPRANUCLEAR OPHTHALMOPLEGIA; NIEMANN-PICK DISEASE WITH CHOLESTEROL ESTERIFICATION BLOCK; NIEMANN-PICK DISEASE, VARIANT TYPE C1; NIEMANN-PICK DISEASE WITHOUT SPHINGOMYELINASE DEFICIENCY; NIEMANN-PICK DISEASE, CHRONIC NEURONOPATHIC FORM. Identifiers: Orphanet 646, MedGen C3179455, MONDO:0009757, OMIM 257220.

Submission:

Labcorp Genetics (formerly Invitae), Labcorp
Classification: Pathogenic for Niemann-Pick disease, type C1. Last evaluated: 2022-08-08. Review status: criteria provided, single submitter. Criteria: Invitae Variant Classification Sherloc (09022015). Collection method: clinical testing. Allele origin: germline.
Comment: This sequence change creates a premature translational stop signal (p.Tyr457Leufs*2) in the NPC1 gene. It is expected to result in an absent or disrupted protein product. Loss-of-function variants in NPC1 are known to be pathogenic (PMID: 9211850). This variant is not present in population databases (gnomAD no frequency). This variant has not been reported in the literature in individuals affected with NPC1-related conditions. For these reasons, this variant has been classified as Pathogenic.

Literature cited by the submitters: PubMed 9211850.

NM_000271.5(NPC1):c.1369dup (p.Tyr457fs)

Gene: NPC1 (NPC intracellular cholesterol transporter 1; minus strand). Cytogenetic location: 18q11.2.
Variant type: Duplication.
Coding change: c.1369dup on transcript NM_000271.5 (MANE Select); coding-DNA position 1369, one base duplicated (T; older notation c.1369dupT).
Protein change: p.Tyr457fs; shifts the reading frame from tyrosine 457.
Molecular consequence: frameshift variant.
Genome position (GRCh38, 1-based): chr18:23,554,942, A duplicated on the plus strand (T on the coding strand, the reverse complement: NPC1 is on the minus strand); the first of 2 consecutive A bases (chr18:23,554,942-23,554,943); duplicating either gives the same sequence. VCF-style (leftmost placement, unchanged base first): chr18-23554941-T-TA. GRCh37 (hg19) VCF-style: chr18-21134905-T-TA.
Other names: short protein forms Y457fs.
Identifiers: ClinVar variation 2020204 (VCV002020204.4), dbSNP rs2511276931, ClinGen allele CA2580095663.